The following is an entry in ClinVar:

ClinVar aggregate classification (germline): Uncertain significance (1 of 4 stars; one submission).

Submission:

CeGaT Center for Human Genetics Tuebingen
Classification: Uncertain significance. Last evaluated: 2022-08-01. Review status: criteria provided, single submitter. Criteria: CeGaT Center For Human Genetics Tuebingen Variant Classification Criteria Version 2. Collection method: clinical testing. Allele origin: germline. Affected: yes. Observed: 1 variant allele.
Comment: ABHD15: PM2

NM_198147.3(ABHD15):c.46G>C (p.Ala16Pro)

Genes: ABHD15 (abhydrolase domain containing 15; minus strand), TP53I13 (tumor protein p53 inducible protein 13; plus strand), LOC130060609 (ATAC-STARR-seq lymphoblastoid silent region 8373; plus strand). Cytogenetic location: 17q11.2.
Variant type: single nucleotide variant.
Coding change: c.46G>C on transcript NM_198147.3 (MANE Select); coding-DNA position 46, G replaced by C.
Protein change: p.Ala16Pro; replaces alanine 16 with proline.
Molecular consequence: missense variant.
Genome position (GRCh38, 1-based): chr17:29,566,921, C>G on the plus strand (G>C on the coding strand, the complement: ABHD15 is on the minus strand). VCF-style: chr17-29566921-C-G. GRCh37 (hg19) VCF-style: chr17-27893939-C-G.
Other names: short protein forms A16P.
Identifiers: ClinVar variation 2647615 (VCV002647615.24), dbSNP rs2508403361, ClinGen allele CA398930896.